The following is an entry in ClinVar:

NM_001267550.2(TTN):c.91813_91824del (p.Ser30605_Ala30608del)

Genes: TTN (titin; minus strand), TTN-AS1 (TTN antisense RNA 1; plus strand). Cytogenetic location: 2q31.2.
Variant type: Deletion.
Coding change: c.91813_91824del on transcript NM_001267550.2 (MANE Select); coding-DNA positions 91813 to 91824, 12 bases deleted (TCTGGTTCTGCA).
Protein change: p.Ser30605_Ala30608del.
Molecular consequence: inframe indel (on NM_001267550.1).
Genome position (GRCh38, 1-based): chr2:178,550,014-178,550,025, TGCAGAACCAGA deleted on the plus strand (TCTGGTTCTGCA on the coding strand, the reverse complement: TTN is on the minus strand); deleting any 12 consecutive bases within chr2:178,550,014-178,550,029 gives the same sequence; the c. name uses the placement nearest the transcript's 3' end. VCF-style (leftmost placement, unchanged base first): chr2-178550013-TTGCAGAACCAGA-T. GRCh37 (hg19) VCF-style: chr2-179414740-TTGCAGAACCAGA-T.
Other names: c.86890_86901del, p.Ser28964_Ala28967del (NM_001256850.1); c.91809_91820delTGCATCTGGTTC, p.Ser30605_Ala30608del (NM_001267550.1); c.64618_64629del, p.Ser21540_Ala21543del (NM_003319.4); c.84109_84120del, p.Ser28037_Ala28040del (NM_133378.4); c.64993_65004del, p.Ser21665_Ala21668del (NM_133432.3); c.65194_65205del, p.Ser21732_Ala21735del (NM_133437.4).
Identifiers: ClinVar variation 3370623 (VCV003370623.1).

ClinVar aggregate classification (germline): Uncertain significance (1 of 4 stars; one submission).

Submission:

GeneDx
Classification: Uncertain significance. Last evaluated: 2024-03-07. Review status: criteria provided, single submitter. Criteria: GeneDx Variant Classification Process June 2021. Collection method: clinical testing. Allele origin: germline. Affected: yes.
Comment: Not observed at significant frequency in large population cohorts (gnomAD); In-frame [deletion/insertion] of # amino acids in a non-repeat region; Has not been previously published as pathogenic or benign to our knowledge